The following is an entry in ClinVar:

NM_000059.4(BRCA2):c.6307T>C (p.Ser2103Pro)

Gene: BRCA2 (BRCA2 DNA repair associated; plus strand). Cytogenetic location: 13q13.1.
Variant type: single nucleotide variant.
Coding change: c.6307T>C on transcript NM_000059.4 (MANE Select); coding-DNA position 6307, T replaced by C.
Protein change: p.Ser2103Pro; replaces serine 2103 with proline.
Molecular consequence: missense variant.
Genome position (GRCh38, 1-based): chr13:32,340,662, T>C. VCF-style: chr13-32340662-T-C. GRCh37 (hg19) VCF-style: chr13-32914799-T-C.
Other names: short protein forms S2103P.
Identifiers: ClinVar variation 1044690 (VCV001044690.12), dbSNP rs2072551841, ClinGen allele CA387789040.

ClinVar aggregate classification (germline): Conflicting classifications of pathogenicity. Review status: criteria provided, conflicting classifications (1 of 4 stars). 3 submissions from 3 submitters: Uncertain significance (1); Likely benign (1). 1 of the submissions does not count toward it. Last evaluated 2023-03-23.

Conditions:
Hereditary cancer-predisposing syndrome. Also called: Hereditary Cancer Syndrome; Tumor predisposition; Hereditary neoplastic syndrome; Neoplastic Syndromes, Hereditary. Identifiers: Orphanet 140162, MedGen C0027672, MeSH D009386, MONDO:0015356.
Hereditary breast ovarian cancer syndrome. Also called: Hereditary breast and/or ovarian cancer syndrome; Hereditary breast and ovarian cancer syndrome; Hereditary breast and ovarian cancer syndrome (HBOC); Breast and ovarian cancer; Hereditary breast and ovarian cancer; BRCA1- and BRCA2-Associated Hereditary Breast and Ovarian Cancer. Identifiers: Orphanet 145, MedGen C0677776, MeSH D061325, MONDO:0003582. Disease mechanism: loss of function.
Familial cancer of breast. Also called: Hereditary breast cancer; hereditary breast carcinoma; BREAST CANCER, FAMILIAL. Identifiers: Orphanet 227535, MedGen C0346153, MONDO:0016419, OMIM 114480. Disease mechanism: loss of function.

Submissions (3):

University of Washington Department of Laboratory Medicine, University of Washington
Classification: Likely benign for Hereditary cancer-predisposing syndrome. Last evaluated: 2023-03-23. Review status: criteria provided, single submitter. Criteria: Dines et al. (Genet Med. 2020). Collection method: curation. Allele origin: germline.
Comment: Missense variant in a coldspot region where missense variants are very unlikely to be pathogenic (PMID:31911673).

BRCA2 exon 11 coldspot. Reclassification based on statistical prior probability.

Labcorp Genetics (formerly Invitae), Labcorp
Classification: Uncertain significance for Hereditary breast ovarian cancer syndrome. Last evaluated: 2020-04-10. Review status: criteria provided, single submitter. Criteria: Invitae Variant Classification Sherloc (09022015). Collection method: clinical testing. Allele origin: germline.
Comment: In summary, the available evidence is currently insufficient to determine the role of this variant in disease. Therefore, it has been classified as a Variant of Uncertain Significance. Algorithms developed to predict the effect of missense changes on protein structure and function output the following: SIFT: "Deleterious"; PolyPhen-2: "Probably Damaging"; Align-GVGD: "Class C0". The proline amino acid residue is found in multiple mammalian species, suggesting that this missense change does not adversely affect protein function. These predictions have not been confirmed by published functional studies and their clinical significance is uncertain. This variant has not been reported in the literature in individuals with BRCA2-related conditions. This variant is not present in population databases (ExAC no frequency). This sequence change replaces serine with proline at codon 2103 of the BRCA2 protein (p.Ser2103Pro). The serine residue is moderately conserved and there is a moderate physicochemical difference between serine and proline.

Center for Precision Medicine, Meizhou People's Hospital
Classification: Uncertain significance for Familial cancer of breast. Review status: no assertion criteria provided. Collection method: curation. Allele origin: germline. Affected: yes. Not counted in ClinVar's aggregate classification.